The following is an entry in ClinVar:

NM_000218.3(KCNQ1):c.316G>A (p.Val106Ile)

Gene: KCNQ1 (potassium voltage-gated channel subfamily Q member 1; plus strand). Cytogenetic location: 11p15.5.
Variant type: single nucleotide variant.
Coding change: c.316G>A on transcript NM_000218.3 (MANE Select); coding-DNA position 316, G replaced by A.
Protein change: p.Val106Ile; replaces valine 106 with isoleucine.
Molecular consequence: missense variant. On other transcripts: 5 prime UTR variant (1).
Genome position (GRCh38, 1-based): chr11:2,445,414, G>A. VCF-style: chr11-2445414-G-A. GRCh37 (hg19) VCF-style: chr11-2466644-G-A.
Other names: c.316G>A, p.Val106Ile (NM_001406836.1, NM_001406838.1); c.-47G>A (NM_001406837.1); short protein forms V106I.
Identifiers: ClinVar variation 4692198 (VCV004692198.1).

ClinVar aggregate classification (germline): Uncertain significance (1 of 4 stars; one submission).

Conditions:
Long QT syndrome (LQTS). Identifiers: MedGen C0023976, MeSH D008133, MONDO:0002442. Disease mechanism: loss of function. Inheritance: Various modes of inheritance.

Submission:

Labcorp Genetics (formerly Invitae), Labcorp
Classification: Uncertain significance for Long QT syndrome. Last evaluated: 2026-01-11. Review status: criteria provided, single submitter. Criteria: Invitae Variant Classification Sherloc (09022015). Collection method: clinical testing. Allele origin: germline.
Comment: This sequence change replaces valine, which is neutral and non-polar, with isoleucine, which is neutral and non-polar, at codon 106 of the KCNQ1 protein (p.Val106Ile). This variant is not present in population databases (gnomAD no frequency). This variant has not been reported in the literature in individuals affected with KCNQ1-related conditions. Invitae Evidence Modeling of protein sequence and biophysical properties (such as structural, functional, and spatial information, amino acid conservation, physicochemical variation, residue mobility, and thermodynamic stability) indicates that this missense variant is not expected to disrupt KCNQ1 protein function with a negative predictive value of 95%. Experimental studies have shown that this missense change does not substantially affect KCNQ1 function (PMID: 29532034). In summary, the available evidence is currently insufficient to determine the role of this variant in disease. Therefore, it has been classified as a Variant of Uncertain Significance.

Literature cited by the submitters: PubMed 29532034.